The following is an entry in ClinVar:

NM_177438.3(DICER1):c.2399G>A (p.Arg800Lys)

Gene: DICER1 (dicer 1, ribonuclease III; minus strand). Cytogenetic location: 14q32.13.
Variant type: single nucleotide variant.
Coding change: c.2399G>A on transcript NM_177438.3 (MANE Select); coding-DNA position 2399, G replaced by A.
Protein change: p.Arg800Lys; replaces arginine 800 with lysine.
Molecular consequence: missense variant. On other transcripts: non-coding transcript variant (6).
Genome position (GRCh38, 1-based): chr14:95,108,361, C>T on the plus strand (G>A on the coding strand, the complement: DICER1 is on the minus strand). VCF-style: chr14-95108361-C-T. GRCh37 (hg19) VCF-style: chr14-95574698-C-T.
Other names: c.2399G>A, p.Arg800Lys (NM_001195573.1, NM_001271282.3, NM_001291628.2 and 12 more transcripts); c.2117G>A, p.Arg706Lys (NM_001395686.1); c.1994G>A, p.Arg665Lys (NM_001395687.1, NM_001395688.1, NM_001395689.1 and 2 more transcripts); c.1832G>A, p.Arg611Lys (NM_001395691.1); c.716G>A, p.Arg239Lys (NM_001395697.1); short protein forms R611K, R665K, R706K, R800K, R239K.
Identifiers: ClinVar variation 3501920 (VCV003501920.1).

ClinVar aggregate classification (germline): Uncertain significance (1 of 4 stars; one submission).

Conditions:
Hereditary cancer-predisposing syndrome. Also called: Tumor predisposition; Neoplastic Syndromes, Hereditary; Hereditary Cancer Syndrome; Hereditary neoplastic syndrome. Identifiers: Orphanet 140162, MedGen C0027672, MeSH D009386, MONDO:0015356.

Submission:

Ambry Genetics
Classification: Uncertain significance for Hereditary cancer-predisposing syndrome. Last evaluated: 2024-10-11. Review status: criteria provided, single submitter. Criteria: Ambry Variant Classification Scheme 2023. Collection method: clinical testing. Allele origin: germline.
Comment: The p.R800K variant (also known as c.2399G>A), located in coding exon 14 of the DICER1 gene, results from a G to A substitution at nucleotide position 2399. The arginine at codon 800 is replaced by lysine, an amino acid with highly similar properties. This amino acid position is conserved. In addition, this alteration is predicted to be deleterious by in silico analysis. Based on the available evidence, the clinical significance of this variant remains unclear.